The following is an entry in ClinVar:

ClinVar aggregate classification (germline): Uncertain significance. Review status: criteria provided, multiple submitters, no conflicts (2 of 4 stars). 8 submissions from 8 submitters: Uncertain significance (8). Last evaluated 2024-03-29.

Conditions:
Hereditary spastic paraplegia 48. Also called: Spastic paraplegia 48; SPASTIC PARAPLEGIA 48, AUTOSOMAL RECESSIVE. Identifiers: Orphanet 306511, MedGen C3150901, MONDO:0013342, OMIM 613647.

Allele frequency attached by ClinVar (database versions not stated): ExAC 0.00010; gnomAD exomes 0.00011; gnomAD 0.00013 and 0.00015; 1000 Genomes Project 0.00020; TOPMed 0.00021; 1000 Genomes Project 30x 0.00031; ESP Exome Variant Server 0.00039.
gnomAD v4.1: 159 of 1,612,768 alleles (0.0099%); highest among the groups gnomAD compares: Middle Eastern, 0.13%; no homozygotes.

Submissions (8):

Genomic Medicine Center of Excellence, King Faisal Specialist Hospital and Research Centre
Classification: Uncertain significance for Hereditary spastic paraplegia 48. Last evaluated: 2024-03-29. Review status: criteria provided, single submitter. Criteria: ACMG Guidelines, 2015. Collection method: clinical testing. Allele origin: germline.

Athena Diagnostics
Classification: Uncertain significance. Last evaluated: 2023-12-29. Review status: criteria provided, single submitter. Criteria: Athena Diagnostics Criteria. Collection method: clinical testing. Allele origin: unknown.
Comment: Available data are insufficient to determine the clinical significance of the variant at this time. The frequency of this variant in the general population is uninformative in assessment of its pathogenicity. Computational tools disagree on the variant's effect on normal protein function.

Clinical Genetics Laboratory, Skane University Hospital Lund
Classification: Uncertain significance. Last evaluated: 2023-02-08. Review status: criteria provided, single submitter. Criteria: ACMG Guidelines, 2015. Collection method: clinical testing. Allele origin: germline. Affected: yes.

Women's Health and Genetics/Laboratory Corporation of America, LabCorp
Classification: Uncertain significance. Last evaluated: 2023-01-11. Review status: criteria provided, single submitter. Criteria: LabCorp Variant Classification Summary - May 2015. Collection method: clinical testing. Allele origin: germline.
Comment: Variant summary: KIAA0415 c.2287G>A (p.Val763Met) results in a conservative amino acid change in the encoded protein sequence. Three of five in-silico tools predict a damaging effect of the variant on protein function. The variant allele was found at a frequency of 0.00011 in 247596 control chromosomes (gnomAD). The available data on variant occurrences in the general population are insufficient to allow any conclusion about variant significance. c.2287G>A has been reported in the literature in at-least one individual affected with Hereditary Spastic Paraplegia (example: DAmore_2018). These report(s) do not provide unequivocal conclusions about association of the variant with Hereditary Spastic Paraplegia 48. To our knowledge, no experimental evidence demonstrating an impact on protein function has been reported. Two clinical diagnostic laboratories have submitted clinical-significance assessments for this variant to ClinVar after 2014 and classified the variant as uncertain significance. Based on the evidence outlined above, the variant was classified as uncertain significance.

Labcorp Genetics (formerly Invitae), Labcorp
Classification: Uncertain significance for Hereditary spastic paraplegia 48. Last evaluated: 2022-08-12. Review status: criteria provided, single submitter. Criteria: Invitae Variant Classification Sherloc (09022015). Collection method: clinical testing. Allele origin: germline.
Comment: This sequence change replaces valine, which is neutral and non-polar, with methionine, which is neutral and non-polar, at codon 763 of the AP5Z1 protein (p.Val763Met). This variant is present in population databases (rs147369435, gnomAD 0.02%). This variant has not been reported in the literature in individuals affected with AP5Z1-related conditions. ClinVar contains an entry for this variant (Variation ID: 412232). Algorithms developed to predict the effect of missense changes on protein structure and function are either unavailable or do not agree on the potential impact of this missense change (SIFT: "Deleterious"; PolyPhen-2: "Probably Damaging"; Align-GVGD: "Class C0"). In summary, the available evidence is currently insufficient to determine the role of this variant in disease. Therefore, it has been classified as a Variant of Uncertain Significance.

Mayo Clinic Laboratories, Mayo Clinic
Classification: Uncertain significance. Last evaluated: 2022-04-19. Review status: criteria provided, single submitter. Criteria: ACMG Guidelines, 2015. Collection method: clinical testing. Allele origin: germline. Observed: 1 variant allele.

Illumina Laboratory Services, Illumina
Classification: Uncertain significance for Hereditary spastic paraplegia 48. Last evaluated: 2018-03-30. Review status: criteria provided, single submitter. Criteria: ICSL Variant Classification Criteria 13 December 2019. Collection method: clinical testing. Allele origin: germline.

Breakthrough Genomics
Classification: Uncertain significance. Review status: criteria provided, single submitter. Criteria: ACMG Guidelines, 2015. Collection method: not provided. Allele origin: germline. Inheritance: Autosomal recessive inheritance. Affected: yes.

Literature cited by the submitters: PubMed 30564185 (cited by 3 submitters); PubMed 29908077 (cited by Athena Diagnostics and Women's Health and Genetics/Laboratory Corporation of America, LabCorp); PubMed 37492102 (cited by Athena Diagnostics); PubMed 34426522 (cited by Mayo Clinic Laboratories, Mayo Clinic).

NM_014855.3(AP5Z1):c.2287G>A (p.Val763Met)

Gene: AP5Z1 (adaptor related protein complex 5 subunit zeta 1; plus strand). Cytogenetic location: 7p22.1.
Variant type: single nucleotide variant.
Coding change: c.2287G>A on transcript NM_014855.3 (MANE Select); coding-DNA position 2287, G replaced by A.
Protein change: p.Val763Met; replaces valine 763 with methionine.
Molecular consequence: missense variant. On other transcripts: non-coding transcript variant (1).
Genome position (GRCh38, 1-based): chr7:4,791,248, G>A. VCF-style: chr7-4791248-G-A. GRCh37 (hg19) VCF-style: chr7-4830879-G-A.
Other names: p.Val763Met; c.2287G>A, p.Val763Met (LRG_1247t1); c.1819G>A, p.Val607Met (NM_001364858.1); short protein forms V763M, V607M.
Identifiers: ClinVar variation 412232 (VCV000412232.18), dbSNP rs147369435, ClinGen allele CA4138418.
Genomic context (GRCh38, chr7:4,791,248, plus strand): 5'-GGCGCGGAAGCCATCCGTACCCGGGCCACAGAGCTGCTGACCCTGCTGAAGATGCCTAGC[G>A]TGGCCCAGTTTGTGCTCACACCCAGCACGGAGGTGTGCAGCCCCCGCTATCACCGCGATG-3'
Protein context (NP_055670.1, residues 753-773): ELLTLLKMPS[Val763Met]AQFVLTPSTE